The following is an entry in ClinVar:

ClinVar aggregate classification (germline): Uncertain significance. Review status: criteria provided, multiple submitters, no conflicts (2 of 4 stars). 2 submissions from 2 submitters: Uncertain significance (2). Last evaluated 2024-09-29.

Conditions:
Nephronophthisis. Also called: Juvenile Nephronophthisis. Identifiers: Orphanet 655, MedGen C0687120, MONDO:0019005, HP:0000090.

Allele frequency attached by ClinVar (database versions not stated): TOPMed 0.00002.
gnomAD v4.1: 33 of 1,612,396 alleles (0.002%); highest among the groups gnomAD compares: Admixed American, 0.022%; no homozygotes.

Submissions (2):

Labcorp Genetics (formerly Invitae), Labcorp
Classification: Uncertain significance for Nephronophthisis. Last evaluated: 2024-09-29. Review status: criteria provided, single submitter. Criteria: Invitae Variant Classification Sherloc (09022015). Collection method: clinical testing. Allele origin: germline.
Comment: This sequence change replaces alanine, which is neutral and non-polar, with valine, which is neutral and non-polar, at codon 427 of the IQCB1 protein (p.Ala427Val). This variant is present in population databases (rs138646990, gnomAD 0.02%). This variant has not been reported in the literature in individuals affected with IQCB1-related conditions. ClinVar contains an entry for this variant (Variation ID: 960814). An algorithm developed to predict the effect of missense changes on protein structure and function outputs the following: PolyPhen-2: "Benign". The valine amino acid residue is found in multiple mammalian species, which suggests that this missense change does not adversely affect protein function. In summary, the available evidence is currently insufficient to determine the role of this variant in disease. Therefore, it has been classified as a Variant of Uncertain Significance.

Blueprint Genetics
Classification: Uncertain significance. Last evaluated: 2019-05-24. Review status: criteria provided, single submitter. Criteria: ACMG Guidelines, 2015. Collection method: clinical testing. Allele origin: germline.

NM_001023570.4(IQCB1):c.1280C>T (p.Ala427Val)

Gene: IQCB1 (IQ motif containing B1; minus strand). Cytogenetic location: 3q13.33.
Variant type: single nucleotide variant.
Coding change: c.1280C>T on transcript NM_001023570.4 (MANE Select); coding-DNA position 1280, C replaced by T.
Protein change: p.Ala427Val; replaces alanine 427 with valine.
Molecular consequence: missense variant. On other transcripts: non-coding transcript variant (1).
Genome position (GRCh38, 1-based): chr3:121,781,873, G>A on the plus strand (C>T on the coding strand, the complement: IQCB1 is on the minus strand). VCF-style: chr3-121781873-G-A. GRCh37 (hg19) VCF-style: chr3-121500720-G-A.
Other names: c.881C>T, p.Ala294Val (NM_001023571.4); c.1280C>T, p.Ala427Val (NM_001319107.2); short protein forms A294V, A427V.
Identifiers: ClinVar variation 960814 (VCV000960814.9), dbSNP rs138646990, ClinGen allele CA2567136.
Genomic context (GRCh38, chr3:121,781,873, plus strand): 5'-AGTCCTCGCCAAGGAGCAAATAGTTTCTTTTTCTTACGGCACTTCGCTAGGAATTTAAGC[G>A]CCTGGAAGAAAAAAAATTGAAGGTTTGTGATTTTTCTCCCCTAACTAATAGAACTATTTT-3'
Protein context (NP_001018864.2, residues 417-437): YKAAVTLQRA[Ala427Val]LKFLAKCRKK